The following is an entry in ClinVar:

ClinVar aggregate classification (germline): Uncertain significance. Review status: criteria provided, multiple submitters, no conflicts (2 of 4 stars). 2 submissions from 2 submitters: Uncertain significance (2). Last evaluated 2021-08-30.

Conditions:
Joubert syndrome 8 (JBTS8). Identifiers: Orphanet 475, MedGen C2676771, MONDO:0012855, OMIM 612291.

Allele frequency attached by ClinVar (database versions not stated): ExAC 0.00002; gnomAD 0.00003; gnomAD exomes 0.00004; TOPMed 0.00005; ESP Exome Variant Server 0.00023.
gnomAD v4.1: 93 of 1,609,092 alleles (0.0058%); highest among the groups gnomAD compares: Non-Finnish European, 0.0071%; no homozygotes.

Submissions (2):

Labcorp Genetics (formerly Invitae), Labcorp
Classification: Uncertain significance for Joubert syndrome 8. Last evaluated: 2021-08-30. Review status: criteria provided, single submitter. Criteria: Invitae Variant Classification Sherloc (09022015). Collection method: clinical testing. Allele origin: germline.
Comment: This sequence change replaces aspartic acid with tyrosine at codon 133 of the ARL13B protein (p.Asp133Tyr). The aspartic acid residue is highly conserved and there is a large physicochemical difference between aspartic acid and tyrosine. This variant is present in population databases (rs140290819, ExAC 0.004%). This variant has not been reported in the literature in individuals affected with ARL13B-related conditions. Algorithms developed to predict the effect of missense changes on protein structure and function are either unavailable or do not agree on the potential impact of this missense change (SIFT: "Deleterious"; PolyPhen-2: "Probably Damaging"; Align-GVGD: "Class C15"). In summary, the available evidence is currently insufficient to determine the role of this variant in disease. Therefore, it has been classified as a Variant of Uncertain Significance.

Blueprint Genetics
Classification: Uncertain significance. Last evaluated: 2020-07-15. Review status: criteria provided, single submitter. Criteria: ACMG Guidelines, 2015. Collection method: clinical testing. Allele origin: germline.

NM_001174150.2(ARL13B):c.397G>T (p.Asp133Tyr)

Gene: ARL13B (ARF like GTPase 13B; plus strand). Cytogenetic location: 3q11.2.
Variant type: single nucleotide variant.
Coding change: c.397G>T on transcript NM_001174150.2 (MANE Select); coding-DNA position 397, G replaced by T.
Protein change: p.Asp133Tyr; replaces aspartic acid 133 with tyrosine.
Molecular consequence: missense variant. On other transcripts: non-coding transcript variant (2).
Genome position (GRCh38, 1-based): chr3:94,035,347, G>T. VCF-style: chr3-94035347-G-T. GRCh37 (hg19) VCF-style: chr3-93754191-G-T.
Other names: c.88G>T, p.Asp30Tyr (NM_001174151.2); c.352G>T, p.Asp118Tyr (NM_001321328.2); c.76G>T, p.Asp26Tyr (NM_144996.4); c.397G>T, p.Asp133Tyr (NM_182896.3); short protein forms D26Y, D118Y, D133Y, D30Y.
Identifiers: ClinVar variation 953883 (VCV000953883.5), dbSNP rs140290819, ClinGen allele CA2504028.
Genomic context (GRCh38, chr3:94,035,347, plus strand): 5'-CAATTATATATATGCTGTATAAAAGTACTTTAATTATCTTTCAGGTTGGCAAATAAACAA[G>T]ATAAAGAAGGAGCTTTAGGAGAAGCTGATGTCATTGAATGTCTATCTCTGGAAAAATTGG-3'
Protein context (NP_001167621.1, residues 123-143): KPILVLANKQ[Asp133Tyr]KEGALGEADV